The following is an entry in ClinVar:

ClinVar aggregate classification (germline): Uncertain significance (1 of 4 stars; one submission).

Conditions:
Multiple endocrine neoplasia type 4. Also called: MULTIPLE ENDOCRINE NEOPLASIA, TYPE IV. Identifiers: Orphanet 276152, MedGen C1970712, MONDO:0012552, OMIM 610755.

Submission:

Labcorp Genetics (formerly Invitae), Labcorp
Classification: Uncertain significance for Multiple endocrine neoplasia type 4. Last evaluated: 2024-02-10. Review status: criteria provided, single submitter. Criteria: Invitae Variant Classification Sherloc (09022015). Collection method: clinical testing. Allele origin: germline.
Comment: This sequence change replaces proline, which is neutral and non-polar, with serine, which is neutral and polar, at codon 35 of the CDKN1B protein (p.Pro35Ser). This variant is not present in population databases (gnomAD no frequency). This variant has not been reported in the literature in individuals affected with CDKN1B-related conditions. An algorithm developed to predict the effect of missense changes on protein structure and function (PolyPhen-2) suggests that this variant is likely to be disruptive. In summary, the available evidence is currently insufficient to determine the role of this variant in disease. Therefore, it has been classified as a Variant of Uncertain Significance.

NM_004064.5(CDKN1B):c.103C>T (p.Pro35Ser)

Gene: CDKN1B (cyclin dependent kinase inhibitor 1B; plus strand). Cytogenetic location: 12p13.1.
Variant type: single nucleotide variant.
Coding change: c.103C>T on transcript NM_004064.5 (MANE Select); coding-DNA position 103, C replaced by T.
Protein change: p.Pro35Ser; replaces proline 35 with serine.
Molecular consequence: missense variant.
Genome position (GRCh38, 1-based): chr12:12,717,942, C>T. VCF-style: chr12-12717942-C-T. GRCh37 (hg19) VCF-style: chr12-12870876-C-T.
Other names: short protein forms P35S.
Identifiers: ClinVar variation 2722610 (VCV002722610.3), dbSNP rs1946488503, ClinGen allele CA383968615.